The following is an entry in ClinVar:

NM_004836.7(EIF2AK3):c.40CTG[5] (p.Leu19_Leu21del)

Gene: EIF2AK3 (eukaryotic translation initiation factor 2 alpha kinase 3; minus strand). Cytogenetic location: 2p11.2.
Variant type: Microsatellite.
Coding change: c.40CTG[5] on transcript NM_004836.7 (MANE Select); five copies in a row of the 3-base unit CTG starting at c.40; the reference has eight copies in a row; three copies, 9 bases deleted.
Protein change: p.Leu19_Leu21del.
Molecular consequence: inframe deletion.
Genome position (GRCh38, 1-based): chr2:88,627,212-88,627,220, CAGCAGCAG deleted on the plus strand (CTGCTGCTG on the coding strand, the reverse complement: EIF2AK3 is on the minus strand); deleting any 9 consecutive bases within chr2:88,627,212-88,627,236 gives the same sequence; the position shown is the placement nearest the transcript's 3' end. VCF-style (leftmost placement, unchanged base first): chr2-88627211-CCAGCAGCAG-C. GRCh37 (hg19) VCF-style: chr2-88926729-CCAGCAGCAG-C.
Identifiers: ClinVar variation 1449107 (VCV001449107.4), dbSNP rs1805190, ClinGen allele CA1755018.

ClinVar aggregate classification (germline): Uncertain significance (1 of 4 stars; one submission).

Submission:

Labcorp Genetics (formerly Invitae), Labcorp
Classification: Uncertain significance. Last evaluated: 2023-09-12. Review status: criteria provided, single submitter. Criteria: Invitae Variant Classification Sherloc (09022015). Collection method: clinical testing. Allele origin: germline.
Comment: This variant, c.55_63del, results in the deletion of 3 amino acid(s) of the EIF2AK3 protein (p.Leu19_Leu21del), but otherwise preserves the integrity of the reading frame. The frequency data for this variant in the population databases is considered unreliable, as metrics indicate poor data quality at this position in the gnomAD database. In summary, the available evidence is currently insufficient to determine the role of this variant in disease. Therefore, it has been classified as a Variant of Uncertain Significance. Experimental studies and prediction algorithms are not available or were not evaluated, and the functional significance of this variant is currently unknown. This variant has not been reported in the literature in individuals affected with EIF2AK3-related conditions.